The following is an entry in ClinVar:

NM_016333.4(SRRM2):c.1045C>T (p.Arg349Ter)

Gene: SRRM2 (serine/arginine repetitive matrix 2; plus strand). Cytogenetic location: 16p13.3.
Variant type: single nucleotide variant.
Coding change: c.1045C>T on transcript NM_016333.4 (MANE Select); coding-DNA position 1045, C replaced by T.
Protein change: p.Arg349Ter; replaces arginine 349 with a stop codon.
Molecular consequence: nonsense.
Genome position (GRCh38, 1-based): chr16:2,761,573, C>T. VCF-style: chr16-2761573-C-T. GRCh37 (hg19) VCF-style: chr16-2811574-C-T.
Other names: short protein forms R349*.
Identifiers: ClinVar variation 4685123 (VCV004685123.1).
Genomic context (GRCh38, chr16:2,761,573, plus strand): 5'-GTTTTGGCGTTTATGAATCCCTATCCCTGCTCTCTCTTCCACTCTTAGAAATCTGCAACT[C>T]GACCTAGCCCCTCTCCGGAAAGGAGCAGCACAGGCCCAGAACCACCTGCTCCCACTCCGC-3'

ClinVar aggregate classification (germline): Likely pathogenic (1 of 4 stars; one submission).

Submission:

GeneDx
Classification: Likely pathogenic. Last evaluated: 2025-07-11. Review status: criteria provided, single submitter. Criteria: GeneDx Variant Classification Process June 2021. Collection method: clinical testing. Allele origin: germline. Affected: yes.
Comment: Nonsense variant predicted to result in protein truncation or nonsense mediated decay in a gene for which loss of function is a known mechanism of disease; Not observed at significant frequency in large population cohorts (gnomAD); This variant is associated with the following publications: (PMID: 35982159, 33057194)